The following is an entry in ClinVar:

ClinVar aggregate classification (germline): Pathogenic (1 of 4 stars; one submission).

Submission:

Labcorp Genetics (formerly Invitae), Labcorp
Classification: Pathogenic. Last evaluated: 2022-03-02. Review status: criteria provided, single submitter. Criteria: Invitae Variant Classification Sherloc (09022015). Collection method: clinical testing. Allele origin: germline.
Comment: For these reasons, this variant has been classified as Pathogenic. Algorithms developed to predict the effect of sequence changes on RNA splicing suggest that this variant may disrupt the consensus splice site. This variant has not been reported in the literature in individuals affected with EYS-related conditions. This variant is not present in population databases (gnomAD no frequency). This sequence change creates a premature translational stop signal (p.Ser326Alafs*13) in the EYS gene. It is expected to result in an absent or disrupted protein product. Loss-of-function variants in EYS are known to be pathogenic (PMID: 18836446, 20333770).

Literature cited by the submitters: PubMed 18836446; PubMed 20333770.

NM_001142800.2(EYS):c.975del (p.Ser326fs)

Gene: EYS (EGF-like photoreceptor maintenance factor; minus strand). Cytogenetic location: 6q12.
Variant type: Deletion.
Coding change: c.975del on transcript NM_001142800.2 (MANE Select); coding-DNA position 975, one base deleted (C; older notation c.975delC).
Protein change: p.Ser326fs; shifts the reading frame from serine 326.
Molecular consequence: frameshift variant.
Genome position (GRCh38, 1-based): chr6:65,405,255, G deleted on the plus strand (C on the coding strand, the reverse complement: EYS is on the minus strand); the first of 2 consecutive G bases (chr6:65,405,255-65,405,256); deleting either gives the same sequence. VCF-style (leftmost placement, unchanged base first): chr6-65405254-TG-T. GRCh37 (hg19) VCF-style: chr6-66115147-TG-T.
Other names: c.975del, p.Ser326fs (NM_001142801.2, NM_001292009.2, NM_198283.2); short protein forms S326fs.
Identifiers: ClinVar variation 2105832 (VCV002105832.4), dbSNP rs2533376958, ClinGen allele CA2580075685.